The following is an entry in ClinVar:

ClinVar aggregate classification (germline): Likely pathogenic (1 of 4 stars; one submission).

Conditions:
Acute infantile liver failure due to synthesis defect of mtDNA-encoded proteins. Also called: Liver failure acute infantile; LIVER FAILURE, INFANTILE, TRANSIENT; TRMU Deficiency. Identifiers: Orphanet 217371, MedGen C3278664, MONDO:0013111, OMIM 613070.

Submission:

Natera, Inc.
Classification: Likely pathogenic for Acute infantile liver failure due to synthesis defect of mtDNA-encoded proteins. Last evaluated: 2024-05-06. Review status: criteria provided, single submitter. Criteria: Natera Variant Classification Schema (03/2026). Collection method: clinical testing. Allele origin: germline.
Comment: The c.1019-31_1027delCCCCCTCCAAGGGCCCCTCTCTTCTACCCAGTGCCCTGTG variant in TRMU is a frameshift variant predicted to shift the reading frame and introduce a stop codon. This variant is expected to result in nonsense mediated decay, truncation, or a dysfunctional protein product. This variant is rare in the general population with a frequency below the threshold expected for the associated phenotype(s). Given the available evidence, this variant is classified as Likely Pathogenic.

NM_018006.5(TRMU):c.1019-31_1027del

Gene: TRMU (tRNA mitochondrial 2-thiouridylase; plus strand). Cytogenetic location: 22q13.31.
Variant type: Deletion.
Coding change: c.1019-31_1027del on transcript NM_018006.5 (MANE Select); 31 bases into the intron before coding-DNA position 1019 through coding-DNA position 1027, 40 bases deleted.
Molecular consequence: splice acceptor variant. On other transcripts: intron variant (2).
Genome position (GRCh38, 1-based): chr22:46,355,959-46,355,998, 40 bases deleted; deleting any 40 consecutive bases within chr22:46,355,953-46,355,998 gives the same sequence; the c. name uses the placement nearest the transcript's 3' end. GRCh37 (hg19): chr22:46,751,856-46,751,895.
Other names: c.1018+371_1018+410del (NM_001282785.2); c.677-31_685del (NM_001282782.2); c.599-31_607del (NM_001282783.2); c.598+371_598+410del (NM_001282784.2).
Identifiers: ClinVar variation 4815988 (VCV004815988.1).